The following is an entry in ClinVar:

ClinVar aggregate classification (germline): Uncertain significance (1 of 4 stars; one submission).

Submission:

GeneDx
Classification: Uncertain significance. Last evaluated: 2024-06-11. Review status: criteria provided, single submitter. Criteria: GeneDx Variant Classification Process June 2021. Collection method: clinical testing. Allele origin: germline. Affected: yes.
Comment: Not observed at significant frequency in large population cohorts (gnomAD); Missense variant in a gene in which most reported pathogenic variants are truncating/loss of function; Has not been previously published as pathogenic or benign to our knowledge

NM_001267550.2(TTN):c.51604G>C (p.Val17202Leu)

Genes: TTN (titin; minus strand), TTN-AS1 (TTN antisense RNA 1; plus strand). Cytogenetic location: 2q31.2.
Variant type: single nucleotide variant.
Coding change: c.51604G>C on transcript NM_001267550.2 (MANE Select); coding-DNA position 51604, G replaced by C.
Protein change: p.Val17202Leu; replaces valine 17202 with leucine.
Molecular consequence: missense variant.
Genome position (GRCh38, 1-based): chr2:178,609,819, C>G on the plus strand (G>C on the coding strand, the complement: TTN is on the minus strand). VCF-style: chr2-178609819-C-G. GRCh37 (hg19) VCF-style: chr2-179474546-C-G.
Other names: c.46681G>C, p.Val15561Leu (NM_001256850.1); c.24409G>C, p.Val8137Leu (NM_003319.4); c.43900G>C, p.Val14634Leu (NM_133378.4); c.24784G>C, p.Val8262Leu (NM_133432.3); c.24985G>C, p.Val8329Leu (NM_133437.4); short protein forms V14634L, V15561L, V17202L, V8137L, V8262L, V8329L.
Identifiers: ClinVar variation 3390406 (VCV003390406.1).